The following is an entry in ClinVar:

NM_004629.2(FANCG):c.42C>A (p.Asp14Glu)

Gene: FANCG (FA complementation group G; minus strand). Cytogenetic location: 9p13.3.
Variant type: single nucleotide variant.
Coding change: c.42C>A on transcript NM_004629.2 (MANE Select); coding-DNA position 42, C replaced by A.
Protein change: p.Asp14Glu; replaces aspartic acid 14 with glutamic acid.
Molecular consequence: missense variant.
Genome position (GRCh38, 1-based): chr9:35,079,483, G>T on the plus strand (C>A on the coding strand, the complement: FANCG is on the minus strand). VCF-style: chr9-35079483-G-T. GRCh37 (hg19) VCF-style: chr9-35079480-G-T.
Other names: short protein forms D14E.
Identifiers: ClinVar variation 4871011 (VCV004871011.1).

ClinVar aggregate classification (germline): Uncertain significance (1 of 4 stars; one submission).

Conditions:
Inborn genetic diseases. Identifiers: MedGen C0950123, MeSH D030342.

Submission:

Ambry Genetics
Classification: Uncertain significance for Inborn genetic diseases. Last evaluated: 2026-05-27. Review status: criteria provided, single submitter. Criteria: Ambry Variant Classification Scheme 2023. Collection method: clinical testing. Allele origin: germline.
Comment: The p.D14E variant (also known as c.42C>A), located in coding exon 1 of the FANCG gene, results from a C to A substitution at nucleotide position 42. The aspartic acid at codon 14 is replaced by glutamic acid, an amino acid with highly similar properties. This amino acid position is conserved. In addition, this alteration is predicted to be tolerated by in silico analysis. Based on the available evidence, the clinical significance of this variant remains unclear.